The following is an entry in ClinVar:

NM_001377142.1(PLCB4):c.3386A>G (p.Lys1129Arg)

Gene: PLCB4 (phospholipase C beta 4; plus strand). Cytogenetic location: 20p12.2.
Variant type: single nucleotide variant.
Coding change: c.3386A>G on transcript NM_001377142.1 (MANE Select); coding-DNA position 3386, A replaced by G.
Protein change: p.Lys1129Arg; replaces lysine 1129 with arginine.
Molecular consequence: missense variant.
Genome position (GRCh38, 1-based): chr20:9,472,825, A>G. VCF-style: chr20-9472825-A-G. GRCh37 (hg19) VCF-style: chr20-9453472-A-G.
Other names: c.3350A>G, p.Lys1117Arg (NM_000933.4, NM_001377134.2, NM_001377135.1 and 2 more transcripts); c.3386A>G, p.Lys1129Arg (NM_001172646.2, NM_001377143.1); short protein forms K1117R, K1129R.
Identifiers: ClinVar variation 3912043 (VCV003912043.2).

ClinVar aggregate classification (germline): Uncertain significance (1 of 4 stars; one submission).

gnomAD v4.1: 1 of 1,597,850 alleles (0.000063%); highest among the groups gnomAD compares: Non-Finnish European, 0.000086%; no homozygotes.

Submission:

Women's Health and Genetics/Laboratory Corporation of America, LabCorp
Classification: Uncertain significance. Last evaluated: 2025-07-07. Review status: criteria provided, single submitter. Criteria: LabCorp Variant Classification Summary - May 2015. Collection method: clinical testing. Allele origin: germline.
Comment: Variant summary: PLCB4 c.3350A>G (p.Lys1117Arg) results in a conservative amino acid change in the encoded protein sequence. Algorithms developed to predict the effect of missense changes on protein structure and function are either unavailable or do not agree on the potential impact of this missense change. The variant was absent in 244844 control chromosomes. The available data on variant occurrences in the general population are insufficient to allow any conclusion about variant significance. To our knowledge, no occurrence of c.3350A>G in individuals affected with Auriculocondylar Syndrome and no experimental evidence demonstrating its impact on protein function have been reported. No submitters have cited clinical-significance assessments for this variant to ClinVar. Based on the evidence outlined above, the variant was classified as uncertain significance.